The following is an entry in ClinVar:

NM_000038.6(APC):c.5355T>C (p.Tyr1785=)

Gene: APC (APC regulator of Wnt signaling pathway; plus strand). Cytogenetic location: 5q22.2.
Variant type: single nucleotide variant.
Coding change: c.5355T>C on transcript NM_000038.6 (MANE Select); coding-DNA position 5355, T replaced by C.
Protein change: p.Tyr1785=; no amino-acid change (tyrosine 1785 retained).
Molecular consequence: synonymous variant. On other transcripts: non-coding transcript variant (2).
Genome position (GRCh38, 1-based): chr5:112,840,949, T>C. VCF-style: chr5-112840949-T-C. GRCh37 (hg19) VCF-style: chr5-112176646-T-C.
Other names: c.5355T>C, p.Tyr1785= (NM_001127510.3, NM_001354895.2, NM_001407450.1); c.5301T>C, p.Tyr1767= (NM_001127511.3); c.5409T>C, p.Tyr1803= (NM_001354896.2, NM_001407447.1, NM_001407448.1 and 1 more transcripts); c.5385T>C, p.Tyr1795= (NM_001354897.2); c.5280T>C, p.Tyr1760= (NM_001354898.2); c.5271T>C, p.Tyr1757= (NM_001354899.2); c.5232T>C, p.Tyr1744= (NM_001354900.2); c.5178T>C, p.Tyr1726= (NM_001354901.2, NM_001407453.1); and 11 more.
Identifiers: ClinVar variation 1921085 (VCV001921085.6), dbSNP rs2149938166, ClinGen allele CA446208813.
Genomic context (GRCh38, chr5:112,840,949, plus strand): 5'-AGATGGTAAGAAAAAGAAACCAACTTCACCAGTAAAACCTATACCACAAAATACTGAATA[T>C]AGGACACGTGTAAGAAAAAATGCAGACTCAAAAAATAATTTAAATGCTGAGAGAGTTTTC-3'
Protein context (NP_000029.2, residues 1775-1795): PVKPIPQNTE[Tyr1785=]RTRVRKNADS

ClinVar aggregate classification (germline): Benign/Likely benign. Review status: criteria provided, multiple submitters, no conflicts (2 of 4 stars). 2 submissions from 2 submitters: Benign (1); Likely benign (1). Last evaluated 2024-04-02.

Conditions:
Familial adenomatous polyposis 1 (FAP1). Also called: POLYPOSIS, ADENOMATOUS INTESTINAL; FAMILIAL ADENOMATOUS POLYPOSIS 1, ATTENUATED. Identifiers: MedGen C2713442, MONDO:0021056, OMIM 175100. Disease mechanism: loss of function.

Allele frequency attached by ClinVar (database versions not stated): gnomAD exomes below 0.00001.
gnomAD v4.1: 1 of 1,613,384 alleles (0.000062%); highest among the groups gnomAD compares: Non-Finnish European, 0.000085%; no homozygotes.

Submissions (2):

Myriad Genetics, Inc.
Classification: Benign for Familial adenomatous polyposis 1. Last evaluated: 2024-04-02. Review status: criteria provided, single submitter. Criteria: Myriad Autosomal Dominant, Autosomal Recessive and X-Linked Classification Criteria (2023). Collection method: clinical testing. Allele origin: unknown.
Comment: This variant is considered benign. This variant is a silent/synonymous amino acid change and it is not expected to impact splicing.

Labcorp Genetics (formerly Invitae), Labcorp
Classification: Likely benign for Familial adenomatous polyposis 1. Last evaluated: 2022-07-29. Review status: criteria provided, single submitter. Criteria: Invitae Variant Classification Sherloc (09022015). Collection method: clinical testing. Allele origin: germline.